The following is an entry in ClinVar:

ClinVar aggregate classification (germline): Pathogenic (1 of 4 stars; one submission).

Conditions:
Progressive sclerosing poliodystrophy (MTDPS4A). Also called: Mitochondrial DNA depletion syndrome 4A (Alpers type); ALPERS PROGRESSIVE INFANTILE POLIODYSTROPHY; NEURONAL DEGENERATION OF CHILDHOOD WITH LIVER DISEASE, PROGRESSIVE; Alpers Syndrome; ALPERS DIFFUSE DEGENERATION OF CEREBRAL GRAY MATTER WITH HEPATIC CIRRHOSIS; Alpers-Huttenlocher Syndrome. Identifiers: Orphanet 726, MedGen C0205710, MONDO:0008758, OMIM 203700.

Submission:

Labcorp Genetics (formerly Invitae), Labcorp
Classification: Pathogenic for Progressive sclerosing poliodystrophy. Last evaluated: 2023-03-08. Review status: criteria provided, single submitter. Criteria: Invitae Variant Classification Sherloc (09022015). Collection method: clinical testing. Allele origin: germline.
Comment: For these reasons, this variant has been classified as Pathogenic. This sequence change creates a premature translational stop signal (p.Arg478Serfs*26) in the POLG gene. It is expected to result in an absent or disrupted protein product. Loss-of-function variants in POLG are known to be pathogenic (PMID: 18546365). This variant is not present in population databases (gnomAD no frequency). This variant has not been reported in the literature in individuals affected with POLG-related conditions. Algorithms developed to predict the effect of sequence changes on RNA splicing suggest that this variant may disrupt the consensus splice site.

Literature cited by the submitters: PubMed 18546365.

NC_000015.10:g.89327064del

Gene: POLG (DNA polymerase gamma, catalytic subunit; minus strand). Cytogenetic location: 15q26.1.
Variant type: Deletion.
Genome position: GRCh38 VCF-style: chr15-89327062-AC-A. GRCh37 (hg19) VCF-style: chr15-89870293-AC-A.
Identifiers: ClinVar variation 2843895 (VCV002843895.3), dbSNP rs2055531567, ClinGen allele CA2194557462.